The following is an entry in ClinVar:

ClinVar aggregate classification (germline): Likely pathogenic (1 of 4 stars; one submission).

Conditions:
Nemaline myopathy 2 (NEM2). Also called: Nemaline myopathy 2, autosomal recessive. Identifiers: MedGen C1850569, MONDO:0009725, OMIM 256030.

Submission:

Myriad Genetics, Inc.
Classification: Likely pathogenic for Nemaline myopathy 2. Last evaluated: 2022-02-19. Review status: criteria provided, single submitter. Criteria: Myriad Women's Health Autosomal Recessive and X-Linked Classification Criteria (2021). Collection method: clinical testing. Allele origin: unknown.
Comment: NM_001271208.1(NEB):c.21729_21730ins17(S7244Lfs*6) is expected to be pathogenic in the context of NEB-related nemaline myopathy. This variant is predicted to lead to an abnormal or absent protein product due to the creation of a premature termination codon in NEB, a gene where loss-of-function variants are known to be pathogenic. Please note: this variant was assessed in the context of healthy population screening.

NM_001164508.2(NEB):c.21624_21625insTTATACTTGACACCATG (p.Ser7209delinsLeuTyrLeuThrProTer)

Genes: NEB (nebulin; minus strand), RIF1 (replication timing regulatory factor 1; plus strand). Cytogenetic location: 2q23.3.
Variant type: Insertion.
Coding change: c.21624_21625insTTATACTTGACACCATG on transcript NM_001164508.2 (MANE Select); coding-DNA positions 21624 to 21625, TTATACTTGACACCATG inserted.
Protein change: p.Ser7209delinsLeuTyrLeuThrProTer.
Molecular consequence: nonsense.
Genome position: GRCh38 VCF-style: chr2-151530999-T-TCATGGTGTCAAGTATAA. GRCh37 (hg19) VCF-style: chr2-152387513-T-TCATGGTGTCAAGTATAA.
Other names: c.21624_21625insTTATACTTGACACCATG, p.Ser7209delinsLeuTyrLeuThrProTer (NM_001164507.2); c.21729_21730insTTATACTTGACACCATG, p.Ser7244delinsLeuTyrLeuThrProTer (NM_001271208.2); c.16521_16522insTTATACTTGACACCATG, p.Ser5508delinsLeuTyrLeuThrProTer (NM_004543.5).
Identifiers: ClinVar variation 1724523 (VCV001724523.2), dbSNP rs2552139060, ClinGen allele CA2580064051.